The following is an entry in ClinVar:

NM_004186.5(SEMA3F):c.2240A>C (p.Gln747Pro)

Gene: SEMA3F (semaphorin 3F; plus strand). Cytogenetic location: 3p21.31.
Variant type: single nucleotide variant.
Coding change: c.2240A>C on transcript NM_004186.5 (MANE Select); coding-DNA position 2240, A replaced by C.
Protein change: p.Gln747Pro; replaces glutamine 747 with proline.
Molecular consequence: missense variant.
Genome position (GRCh38, 1-based): chr3:50,187,997, A>C. VCF-style: chr3-50187997-A-C. GRCh37 (hg19) VCF-style: chr3-50225430-A-C.
Other names: c.1943A>C, p.Gln648Pro (NM_001318798.2); c.2147A>C, p.Gln716Pro (NM_001318800.2); short protein forms Q648P, Q716P, Q747P.
Identifiers: ClinVar variation 4993273 (VCV004993273.1).

ClinVar aggregate classification (germline): Uncertain significance (1 of 4 stars; one submission).

Conditions:
SEMA3F-related disorder. Also called: SEMA3F-related condition.

gnomAD v4.1: 4 of 1,606,154 alleles (0.00025%); highest among the groups gnomAD compares: Non-Finnish European, 0.00034%; no homozygotes.

Submission:

PreventionGenetics, part of Exact Sciences
Classification: Uncertain significance for SEMA3F-related condition. Last evaluated: 2026-09-10. Review status: criteria provided, single submitter. Criteria: ACMG Guidelines, 2015. Collection method: clinical testing. Allele origin: germline.
Comment: The SEMA3F c.2240A>C variant is predicted to result in the amino acid substitution p.Gln747Pro. To our knowledge, this variant has not been reported in the literature or in a large population database (gnomAD), indicating this variant is rare. At this time, the clinical significance of this variant is uncertain due to the absence of conclusive functional and genetic evidence.